The following is an entry in ClinVar:

NM_001048174.2(MUTYH):c.923C>T (p.Thr308Ile)

Gene: MUTYH (mutY DNA glycosylase; minus strand). Cytogenetic location: 1p34.1.
Variant type: single nucleotide variant.
Coding change: c.923C>T on transcript NM_001048174.2 (MANE Select); coding-DNA position 923, C replaced by T.
Protein change: p.Thr308Ile; replaces threonine 308 with isoleucine.
Molecular consequence: missense variant. On other transcripts: non-coding transcript variant (2).
Genome position (GRCh38, 1-based): chr1:45,331,840, G>A on the plus strand (C>T on the coding strand, the complement: MUTYH is on the minus strand). VCF-style: chr1-45331840-G-A. GRCh37 (hg19) VCF-style: chr1-45797512-G-A.
Other names: c.923C>T, p.Thr308Ile (NM_001048171.2, NM_001048173.2, NM_001293195.2); c.926C>T, p.Thr309Ile (NM_001048172.2); c.1007C>T, p.Thr336Ile (NM_001128425.2); c.968C>T, p.Thr323Ile (NM_001293190.2); c.956C>T, p.Thr319Ile (NM_001293191.2); c.647C>T, p.Thr216Ile (NM_001293192.2, NM_001293196.2); c.578C>T, p.Thr193Ile (NM_001350650.2, NM_001350651.2); c.998C>T, p.Thr333Ile (NM_012222.3); short protein forms T336I, T216I, T308I, T309I, T319I, T323I, T193I, T333I.
Identifiers: ClinVar variation 232478 (VCV000232478.21), dbSNP rs876659790, ClinGen allele CA10577720.

ClinVar aggregate classification (germline): Conflicting classifications of pathogenicity. Review status: criteria provided, conflicting classifications (1 of 4 stars). 5 submissions from 5 submitters: Uncertain significance (4); Likely benign (1). Last evaluated 2025-07-25.

Conditions:
Hereditary cancer-predisposing syndrome. Also called: Tumor predisposition; Hereditary Cancer Syndrome; Neoplastic Syndromes, Hereditary; Hereditary neoplastic syndrome. Identifiers: Orphanet 140162, MedGen C0027672, MeSH D009386, MONDO:0015356.
Familial adenomatous polyposis 2. Also called: MYH-associated polyposis; FAP type 2; ADENOMAS, MULTIPLE COLORECTAL, AUTOSOMAL RECESSIVE; MUTYH Polyposis; MUTYH-associated polyposis; MUTYH-related attenuated familial adenomatous polyposis. Identifiers: Orphanet 220460, Orphanet 247798, MedGen C3272841, MONDO:0012041, OMIM 608456.

Allele frequency attached by ClinVar (database versions not stated): gnomAD exomes below 0.00001; gnomAD 0.00001; TOPMed 0.00003.
gnomAD v4.1: 4 of 1,603,488 alleles (0.00025%); highest among the groups gnomAD compares: African/African-American, 0.004%; no homozygotes.

Submissions (5):

Labcorp Genetics (formerly Invitae), Labcorp
Classification: Uncertain significance for Familial adenomatous polyposis 2. Last evaluated: 2025-07-25. Review status: criteria provided, single submitter. Criteria: Invitae Variant Classification Sherloc (09022015). Collection method: clinical testing. Allele origin: germline.
Comment: This sequence change replaces threonine, which is neutral and polar, with isoleucine, which is neutral and non-polar, at codon 336 of the MUTYH protein (p.Thr336Ile). This variant is not present in population databases (gnomAD no frequency). This variant has not been reported in the literature in individuals affected with MUTYH-related conditions. ClinVar contains an entry for this variant (Variation ID: 232478). An algorithm developed to predict the effect of missense changes on protein structure and function (PolyPhen-2) suggests that this variant is likely to be tolerated. In summary, the available evidence is currently insufficient to determine the role of this variant in disease. Therefore, it has been classified as a Variant of Uncertain Significance.

Ambry Genetics
Classification: Likely benign for Hereditary cancer-predisposing syndrome. Last evaluated: 2024-03-27. Review status: criteria provided, single submitter. Criteria: Ambry Variant Classification Scheme 2023. Collection method: clinical testing. Allele origin: germline.

Baylor Genetics
Classification: Uncertain significance for Familial adenomatous polyposis 2. Last evaluated: 2024-01-01. Review status: criteria provided, single submitter. Criteria: ACMG Guidelines, 2015. Collection method: clinical testing. Allele origin: unknown.

Color Diagnostics, LLC DBA Color Health
Classification: Uncertain significance for Hereditary cancer-predisposing syndrome. Last evaluated: 2023-12-05. Review status: criteria provided, single submitter. Criteria: ACMG Guidelines, 2015. Collection method: clinical testing. Allele origin: germline.
Comment: This missense variant replaces threonine with isoleucine at codon 336 of the MUTYH protein. Computational prediction suggests that this variant may not impact protein structure and function (internally defined REVEL score threshold <= 0.5, PMID: 27666373). To our knowledge, functional studies have not been reported for this variant. This variant has not been reported in individuals affected with MUTYH-related disorders in the literature. This variant has not been identified in the general population by the Genome Aggregation Database (gnomAD). The available evidence is insufficient to determine the role of this variant in disease conclusively. Therefore, this variant is classified as a Variant of Uncertain Significance.

Quest Diagnostics Nichols Institute San Juan Capistrano
Classification: Uncertain significance. Last evaluated: 2021-09-01. Review status: criteria provided, single submitter. Criteria: Quest Diagnostics criteria. Collection method: clinical testing. Allele origin: unknown.